The following is an entry in ClinVar:

ClinVar aggregate classification (germline): Uncertain significance. Review status: criteria provided, multiple submitters, no conflicts (2 of 4 stars). 2 submissions from 2 submitters: Uncertain significance (2). Last evaluated 2025-10-08.

Conditions:
Cardiovascular phenotype. Identifiers: MedGen CN230736.
Progressive familial heart block type IB (PFHB1B). Identifiers: Orphanet 871, MedGen C1970298, MONDO:0011474, OMIM 604559.

Allele frequency attached by ClinVar (database versions not stated): ExAC 0.00001; gnomAD 0.00001; gnomAD exomes 0.00001.

Submissions (2):

Labcorp Genetics (formerly Invitae), Labcorp
Classification: Uncertain significance for Progressive familial heart block type IB. Last evaluated: 2025-10-08. Review status: criteria provided, single submitter. Criteria: Invitae Variant Classification Sherloc (09022015). Collection method: clinical testing. Allele origin: germline.
Comment: This sequence change replaces methionine, which is neutral and non-polar, with arginine, which is basic and polar, at codon 1042 of the TRPM4 protein (p.Met1042Arg). This variant is present in population databases (rs772639420, gnomAD 0.01%). This variant has not been reported in the literature in individuals affected with TRPM4-related conditions. ClinVar contains an entry for this variant (Variation ID: 2614650). An algorithm developed to predict the effect of missense changes on protein structure and function (PolyPhen-2) suggests that this variant is likely to be disruptive. In summary, the available evidence is currently insufficient to determine the role of this variant in disease. Therefore, it has been classified as a Variant of Uncertain Significance.

Ambry Genetics
Classification: Uncertain significance for Cardiovascular phenotype. Last evaluated: 2023-07-30. Review status: criteria provided, single submitter. Criteria: Ambry Variant Classification Scheme 2023. Collection method: clinical testing. Allele origin: germline.

NM_017636.4(TRPM4):c.3125T>G (p.Met1042Arg)

Gene: TRPM4 (transient receptor potential cation channel subfamily M member 4; plus strand). Cytogenetic location: 19q13.33.
Variant type: single nucleotide variant.
Coding change: c.3125T>G on transcript NM_017636.4 (MANE Select); coding-DNA position 3125, T replaced by G.
Protein change: p.Met1042Arg; replaces methionine 1042 with arginine.
Molecular consequence: missense variant.
Genome position (GRCh38, 1-based): chr19:49,202,135, T>G. VCF-style: chr19-49202135-T-G. GRCh37 (hg19) VCF-style: chr19-49705392-T-G.
Other names: c.2690T>G, p.Met897Arg (NM_001195227.2); c.2780T>G, p.Met927Arg (NM_001321281.2); c.1517T>G, p.Met506Arg (NM_001321282.2); c.2603T>G, p.Met868Arg (NM_001321283.2); c.2063T>G, p.Met688Arg (NM_001321285.2); short protein forms M1042R, M506R, M868R, M897R, M927R, M688R.
Identifiers: ClinVar variation 2614650 (VCV002614650.5), dbSNP rs772639420, ClinGen allele CA9569770.